The following is an entry in ClinVar:

GRCh38/hg38 18q23(chr18:77032666-77548627)x3

Genes: GALR1 (galanin receptor 1; plus strand), MBP (myelin basic protein; minus strand), LOC125371441 (Sharpr-MPRA regulatory region 926; plus strand), LOC126862813 (BRD4-independent group 4 enhancer GRCh37_chr18:74748403-74749602; plus strand), LOC126862814 (MED14-independent group 3 enhancer GRCh37_chr18:74776675-74777874; plus strand) and 18 more. Cytogenetic location: 18q23.
Variant type: copy number gain.
Change: copy number 3 (three copies instead of two) of chr18:77,032,666-77,548,627 (516.0 kb, GRCh38 coordinates, 1-based), cytogenetic band 18q23.
Identifiers: ClinVar variation 60229 (VCV000060229.1).

ClinVar aggregate classification (germline): Uncertain significance (1 of 4 stars; one submission).

Submission:

ISCA site 14
Classification: Uncertain significance. Last evaluated: 2011-08-12. Review status: criteria provided, single submitter. Criteria: Kaminsky et al. (Genet Med. 2011). Collection method: clinical testing. Allele origin: paternal. Affected: yes. Observed: 1 variant allele.
Comment: Copy number variation identified through the course of routine clinical cytogenomic testing in postnatal populations. Clinical assertions have been curated as described in Kaminsky et al. 2011.